The following is an entry in ClinVar:

ClinVar aggregate classification (germline): Pathogenic (1 of 4 stars; one submission).

Conditions:
Spermatogenic failure 18. Identifiers: MedGen C4539783, MONDO:0054615, OMIM 617576.
Ciliary dyskinesia, primary, 37 (CILD37). Also called: CILIARY DYSKINESIA, PRIMARY, 37, WITH OR WITHOUT SITUS INVERSUS. Identifiers: MedGen C4539798, MONDO:0033204, OMIM 617577.

Allele frequency attached by ClinVar (database versions not stated): gnomAD exomes below 0.00001; TOPMed below 0.00001; gnomAD 0.00001.
gnomAD v4.1: 3 of 1,612,396 alleles (0.00019%); highest among the groups gnomAD compares: Non-Finnish European, 0.00025%; no homozygotes.

Submission:

Labcorp Genetics (formerly Invitae), Labcorp
Classification: Pathogenic for Ciliary dyskinesia, primary, 37; Spermatogenic failure 18. Last evaluated: 2023-12-25. Review status: criteria provided, single submitter. Criteria: Invitae Variant Classification Sherloc (09022015). Collection method: clinical testing. Allele origin: germline.
Comment: This sequence change creates a premature translational stop signal (p.Trp2385*) in the DNAH1 gene. It is expected to result in an absent or disrupted protein product. Loss-of-function variants in DNAH1 are known to be pathogenic (PMID: 27573432, 27798045). This variant is not present in population databases (gnomAD no frequency). This variant has not been reported in the literature in individuals affected with DNAH1-related conditions. For these reasons, this variant has been classified as Pathogenic.

Literature cited by the submitters: PubMed 27573432; PubMed 27798045.

NM_015512.5(DNAH1):c.7155G>A (p.Trp2385Ter)

Gene: DNAH1 (dynein axonemal heavy chain 1; plus strand). Cytogenetic location: 3p21.1.
Variant type: single nucleotide variant.
Coding change: c.7155G>A on transcript NM_015512.5 (MANE Select); coding-DNA position 7155, G replaced by A.
Protein change: p.Trp2385Ter; replaces tryptophan 2385 with a stop codon.
Molecular consequence: nonsense.
Genome position (GRCh38, 1-based): chr3:52,375,409, G>A. VCF-style: chr3-52375409-G-A. GRCh37 (hg19) VCF-style: chr3-52409425-G-A.
Other names: short protein forms W2385*.
Identifiers: ClinVar variation 2927750 (VCV002927750.3), dbSNP rs1341552636, ClinGen allele CA353172214.